The following is an entry in ClinVar:

NM_001009944.3(PKD1):c.8299_8310del (p.Arg2767_Asn2770del)

Gene: PKD1 (polycystin 1, transient receptor potential channel interacting; minus strand). Cytogenetic location: 16p13.3.
Variant type: Deletion.
Coding change: c.8299_8310del on transcript NM_001009944.3 (MANE Select); coding-DNA positions 8299 to 8310, 12 bases deleted (CGCGTGCTCAAC).
Protein change: p.Arg2767_Asn2770del.
Genome position (GRCh38, 1-based): chr16:2,103,747-2,103,758, GTTGAGCACGCG deleted on the plus strand (CGCGTGCTCAAC on the coding strand, the reverse complement: PKD1 is on the minus strand); deleting any 12 consecutive bases within chr16:2,103,747-2,103,759 gives the same sequence; the c. name uses the placement nearest the transcript's 3' end. VCF-style (leftmost placement, unchanged base first): chr16-2103746-CGTTGAGCACGCG-C. GRCh37 (hg19) VCF-style: chr16-2153747-CGTTGAGCACGCG-C.
Other names: c.8299_8310del, p.Arg2767_Asn2770del (NM_000296.4); c.8299_8310del12 (NM_001009944.2).
Identifiers: ClinVar variation 3579191 (VCV003579191.2).

ClinVar aggregate classification (germline): Likely pathogenic. Review status: criteria provided, multiple submitters, no conflicts (2 of 4 stars). 2 submissions from 2 submitters: Likely pathogenic (2). Last evaluated 2024-10-31.

Conditions:
PKD1-related disorder. Also called: PKD1-related condition.
Polycystic kidney disease, adult type (PKD1). Also called: Polycystic Kidney Disease 1, Autosomal Dominant; Polycystic kidney disease 1; Polycystic kidney disease 1, severe; Polycystic Kidney, Autosomal Dominant; POLYCYSTIC KIDNEY DISEASE, ADULT, TYPE I; POLYCYSTIC KIDNEY DISEASE 1 WITH OR WITHOUT POLYCYSTIC LIVER DISEASE. Identifiers: MedGen C3149841, MONDO:0008263, OMIM 173900.

Submissions (2):

PreventionGenetics, part of Exact Sciences
Classification: Likely pathogenic for PKD1-related condition. Last evaluated: 2024-10-31. Review status: criteria provided, single submitter. Criteria: ACMG Guidelines, 2015. Collection method: clinical testing. Allele origin: germline.
Comment: The PKD1 c.8299_8310del12 variant is predicted to result in an in-frame deletion (p.Arg2767_Asn2770del). To our knowledge, this variant has not been reported in the literature or in a large population database (gnomAD), indicating this variant is rare. Within this deletion interval, however, multiple missense variants have been reported to be pathogenic for autosomal dominant polycystic kidney disease (ADPKD), especially different substitutions at codon 2767 such as c.8299C>T (p.Arg2767Cys) (see for example, Garcia-Gonzalez et al. 2007. PubMed ID: 17574468; Supplementary Table S5, Audrézet et al. 2012. PubMed ID: 22508176). In addition, a rare smaller in-frame deletion within this deletion interval, defined as c.8308_8310del (p.Asn2770del), has been reported in an individual with ADPKD (Supplementary Table S2, Kim et al. 2019. PubMed ID: 31740684) and this variant has been reported as likely pathogenic by an outside laboratory in ClinVar. Of note, in-frame small deletions in PKD1 have been widely reported to be pathogenic for ADPKD and loss-of-function is the disease-causing mechanism for PKD1 to ADPKD. Rare in-frame deletions at this region have been reported in individuals with ADPKD (c.8291_8308del, p.Met2764_Leu2769del in Supplementary Table 2, Yu et al. 2022. PubMed ID: 35778421; c.8284_8295del, p.Ile2762_Arg2765del in Neumann et al. 2012. PubMed ID: 22367170 and Supplementary Table 3, Benson et al. 2021. PubMed ID: 33454723). In summary, the c.8299_8310del12 (p.Arg2767_Asn2770del) variant is interpreted as likely pathogenic.

Fulgent Genetics
Classification: Likely pathogenic for Polycystic kidney disease, adult type. Last evaluated: 2024-06-14. Review status: criteria provided, single submitter. Criteria: ACMG Guidelines, 2015. Collection method: clinical testing. Allele origin: germline.